The following is an entry in ClinVar:

NM_000553.6(WRN):c.755_758del (p.Lys252fs)

Gene: WRN (WRN RecQ like helicase; plus strand). Cytogenetic location: 8p12.
Variant type: Microsatellite.
Coding change: c.755_758del on transcript NM_000553.6 (MANE Select); coding-DNA positions 755 to 758, 4 bases deleted (AACA; older notation c.755_758delAACA).
Protein change: p.Lys252fs; shifts the reading frame from lysine 252.
Molecular consequence: frameshift variant.
Genome position (GRCh38, 1-based): chr8:31,076,203-31,076,206, AACA deleted; deleting any 4 consecutive bases within chr8:31,076,199-31,076,206 gives the same sequence; the c. name uses the placement nearest the transcript's 3' end. VCF-style (leftmost placement, unchanged base first): chr8-31076198-GAACA-G. GRCh37 (hg19) VCF-style: chr8-30933714-GAACA-G.
Other names: c.755_758del (NM_000553.4); short protein forms K252fs.
Identifiers: ClinVar variation 573403 (VCV000573403.7), dbSNP rs1244318419, ClinGen allele CA580996180.

ClinVar aggregate classification (germline): Pathogenic (1 of 4 stars; one submission).

Conditions:
Werner syndrome (WRN). Identifiers: Orphanet 902, MedGen C0043119, MONDO:0010196, OMIM 277700.

Submission:

Labcorp Genetics (formerly Invitae), Labcorp
Classification: Pathogenic for Werner syndrome. Last evaluated: 2025-11-10. Review status: criteria provided, single submitter. Criteria: Invitae Variant Classification Sherloc (09022015). Collection method: clinical testing. Allele origin: germline.
Comment: This sequence change creates a premature translational stop signal (p.Lys252Serfs*2) in the WRN gene. It is expected to result in an absent or disrupted protein product. Loss-of-function variants in WRN are known to be pathogenic (PMID: 16673358). This variant is present in population databases (no rsID available, gnomAD 0.003%). This variant has not been reported in the literature in individuals affected with WRN-related conditions. ClinVar contains an entry for this variant (Variation ID: 573403). For these reasons, this variant has been classified as Pathogenic.

Literature cited by the submitters: PubMed 16673358.